The following is an entry in ClinVar:

NM_021870.3(FGG):c.207_208dup (p.Glu70fs)

Gene: FGG (fibrinogen gamma chain; minus strand). Cytogenetic location: 4q32.1.
Variant type: Duplication.
Coding change: c.207_208dup on transcript NM_021870.3 (MANE Select); coding-DNA positions 207 to 208, 2 bases duplicated (GG; older notation c.207_208dupGG).
Protein change: p.Glu70fs; shifts the reading frame from glutamic acid 70.
Molecular consequence: frameshift variant.
Genome position (GRCh38, 1-based): chr4:154,612,117-154,612,118, CC duplicated on the plus strand (GG on the coding strand, the reverse complement: FGG is on the minus strand). VCF-style (leftmost placement, unchanged base first): chr4-154612116-T-TCC. GRCh37 (hg19) VCF-style: chr4-155533268-T-TCC.
Other names: c.207_208dup, p.Glu70fs (NM_000509.6); short protein forms E70fs.
Identifiers: ClinVar variation 1299531 (VCV001299531.1), dbSNP rs2110850824, ClinGen allele CA2499217120.

ClinVar aggregate classification (germline): Pathogenic (1 of 4 stars; one submission).

Conditions:
Familial dysfibrinogenemia. Also called: Dysfibrinogenemia, congenital. Identifiers: Orphanet 335, Orphanet 98881, MedGen C0272350, MONDO:0014452, OMIM 616004.

Submission:

Laboratory of Medical Genetics, National & Kapodistrian University of Athens
Classification: Pathogenic for Familial dysfibrinogenemia. Last evaluated: 2021-08-10. Review status: criteria provided, single submitter. Criteria: ACMG Guidelines, 2015. Collection method: clinical testing. Allele origin: paternal. Affected: yes.
Comment: PVS1, PM2, PP3